The following is an entry in ClinVar:

ClinVar aggregate classification (germline): Uncertain significance (1 of 4 stars; one submission).

Conditions:
Primary pulmonary hypertension. Also called: Idiopathic pulmonary hypertension. Identifiers: MedGen C0152171.

Allele frequency attached by ClinVar (database versions not stated): gnomAD exomes below 0.00001.

Submission:

Labcorp Genetics (formerly Invitae), Labcorp
Classification: Uncertain significance for Primary pulmonary hypertension. Last evaluated: 2017-07-10. Review status: criteria provided, single submitter. Criteria: Invitae Variant Classification Sherloc (09022015). Collection method: clinical testing. Allele origin: germline.
Comment: In summary, the available evidence is currently insufficient to determine the role of this variant in disease. Therefore, it has been classified as a Variant of Uncertain Significance. Algorithms developed to predict the effect of missense changes on protein structure and function (SIFT, PolyPhen-2, Align-GVGD) all suggest that this variant is likely to be disruptive, but these predictions have not been confirmed by published functional studies and their clinical significance is uncertain. This variant has not been reported in the literature in individuals with BMPR2-related disease. This variant is not present in population databases (ExAC no frequency). This sequence change replaces arginine with cysteine at codon 114 of the BMPR2 protein (p.Arg114Cys). The arginine residue is highly conserved and there is a large physicochemical difference between arginine and cysteine.

NM_001204.7(BMPR2):c.340C>T (p.Arg114Cys)

Gene: BMPR2 (bone morphogenetic protein receptor type 2; plus strand). Cytogenetic location: 2q33.1.
Variant type: single nucleotide variant.
Coding change: c.340C>T on transcript NM_001204.7 (MANE Select); coding-DNA position 340, C replaced by T.
Protein change: p.Arg114Cys; replaces arginine 114 with cysteine.
Molecular consequence: missense variant.
Genome position (GRCh38, 1-based): chr2:202,467,611, C>T. VCF-style: chr2-202467611-C-T. GRCh37 (hg19) VCF-style: chr2-203332334-C-T.
Other names: c.340C>T (LRG_712t1); short protein forms R114C.
Identifiers: ClinVar variation 458627 (VCV000458627.8), dbSNP rs1553503554, ClinGen allele CA350399706.